The following is an entry in ClinVar:

NM_000059.4(BRCA2):c.8165C>G (p.Thr2722Arg)

Gene: BRCA2 (BRCA2 DNA repair associated; plus strand). Cytogenetic location: 13q13.1.
Variant type: single nucleotide variant.
Coding change: c.8165C>G on transcript NM_000059.4 (MANE Select); coding-DNA position 8165, C replaced by G.
Protein change: p.Thr2722Arg; replaces threonine 2722 with arginine.
Molecular consequence: missense variant.
Genome position (GRCh38, 1-based): chr13:32,363,367, C>G. VCF-style: chr13-32363367-C-G. GRCh37 (hg19) VCF-style: chr13-32937504-C-G.
Other names: NP_000050.3:p.Thr2722Arg; 8393C>G; short protein forms T2722R.
Identifiers: ClinVar variation 9340 (VCV000009340.65), dbSNP rs80359062, ClinGen allele CA025480.

ClinVar aggregate classification (germline): Pathogenic. Review status: reviewed by expert panel (3 of 4 stars). 23 submissions from 23 submitters: Pathogenic (1). 22 of the submissions do not count toward it. Last evaluated 2015-08-10.

Conditions:
BRCA2-related disorder. Also called: BRCA2-related condition; BRCA2-related disorders. Identifiers: MedGen CN239275.
Hereditary cancer-predisposing syndrome. Also called: Tumor predisposition; Hereditary neoplastic syndrome; Hereditary Cancer Syndrome; Neoplastic Syndromes, Hereditary. Identifiers: Orphanet 140162, MedGen C0027672, MeSH D009386, MONDO:0015356.
Hereditary breast ovarian cancer syndrome. Also called: Hereditary breast and/or ovarian cancer syndrome; Hereditary breast and ovarian cancer syndrome (HBOC); Hereditary breast and ovarian cancer; Hereditary breast and ovarian cancer syndrome; Breast and ovarian cancer; BRCA1- and BRCA2-Associated Hereditary Breast and Ovarian Cancer. Identifiers: Orphanet 145, MedGen C0677776, MeSH D061325, MONDO:0003582. Disease mechanism: loss of function.
Breast-ovarian cancer, familial, susceptibility to, 2 (BROVCA2). Also called: BRCA2 Hereditary Breast and Ovarian Cancer. Identifiers: Orphanet 145, MedGen C2675520, MONDO:0012933, OMIM 612555. Disease mechanism: loss of function.
Familial cancer of breast. Also called: Hereditary breast cancer; BREAST CANCER, FAMILIAL; hereditary breast carcinoma. Identifiers: Orphanet 227535, MedGen C0346153, MONDO:0016419, OMIM 114480. Disease mechanism: loss of function.

Submissions 1 to 10 of 23:

Evidence-based Network for the Interpretation of Germline Mutant Alleles (ENIGMA)
Classification: Pathogenic for Breast-ovarian cancer, familial 2. Last evaluated: 2015-08-10. Review status: reviewed by expert panel. Criteria: ENIGMA BRCA1/2 Classification Criteria (2015). Collection method: curation. Allele origin: germline.
Comment: IARC class based on posterior probability from multifactorial likelihood analysis, thresholds for class as per Plon et al. 2008 (PMID: 18951446). Class 5 based on posterior probability = 1

German Consortium for Hereditary Breast and Ovarian Cancer, University Hospital Cologne
Classification: Pathogenic for Hereditary breast ovarian cancer syndrome. Last evaluated: 2026-02-10. Review status: criteria provided, single submitter. Criteria: ClinGen BRCA2 V1.1.0. Collection method: curation. Allele origin: germline. Not counted in ClinVar's aggregate classification.
Comment: This classification follows the ClinGen ENIGMA BRCA2 v1.1.0 classification scheme; We chose these criteria: PS3 (strong pathogenic): Reported by one calibrated study incorporating mRNA splicing effect to exhibit pfunction similar to pathogenic control variants (PMID:29988080). Splice results published: exon 18 deletion, 2 studies (PMIDs: 12145750, 18607349) (VCEP supplement specifications table 9 + USCS browser), PM2 (supporting pathogenic): absent from gnomAD v2/3/4, PP3 (supporting pathogenic): Variant inside a potentially clinically important functional domain and predicted impact via protein change BayesDel no-AF score = 0.42 (thus > 0.30) , PP4 (very strong pathogenic): Combined LR: 3040 (PMID: 17924331; 31853058)

Labcorp Genetics (formerly Invitae), Labcorp
Classification: Pathogenic for Hereditary breast ovarian cancer syndrome. Last evaluated: 2025-11-27. Review status: criteria provided, single submitter. Criteria: Invitae Variant Classification Sherloc (09022015). Collection method: clinical testing. Allele origin: germline. Not counted in ClinVar's aggregate classification.
Comment: This sequence change replaces threonine, which is neutral and polar, with arginine, which is basic and polar, at codon 2722 of the BRCA2 protein (p.Thr2722Arg). This variant is not present in population databases (gnomAD no frequency). This missense change has been observed in individual(s) with breast and/or ovarian cancer (PMID: 12145750). It has also been observed to segregate with disease in related individuals. ClinVar contains an entry for this variant (Variation ID: 9340). Invitae Evidence Modeling incorporating data from in vitro experimental studies (PMID: 33609447) indicates that this missense variant is expected to disrupt BRCA2 function with a positive predictive value of 95%. Experimental studies have shown that this missense change affects BRCA2 function (PMID: 18451181, 18607349, 23108138, 25146914). Studies have shown that this missense change is associated with inconclusive levels of altered splicing (PMID: 12145750, 18607349; internal data). For these reasons, this variant has been classified as Pathogenic.

Ambry Genetics
Classification: Pathogenic for Hereditary cancer-predisposing syndrome. Last evaluated: 2025-10-08. Review status: criteria provided, single submitter. Criteria: Ambry Variant Classification Scheme 2023. Collection method: clinical testing. Allele origin: germline. Not counted in ClinVar's aggregate classification.
Comment: The p.T2722R pathogenic mutation (also known as c.8165C>G), located in coding exon 17 of the BRCA2 gene, results from a C to G substitution at nucleotide position 8165. The threonine at codon 2722 is replaced by arginine, an amino acid with similar properties. This same study also demonstrated that this variant results in decreased protein function and incomplete skipping of exon 18, which was corroborated by several other functional studies (Fackenthal J et al. Am J Hum Genet. 2002 Sep;71(3):625-31, Farrugia D et al. Cancer Res. 2008 May 1;68(9):3523-31, Kuznetsov S et al. Nat Med. 2008 Aug;14(8):875-81, Sanz D et al. Clin Cancer Res. 2010 Mar 15;16(6):1957-67, Guidugli L et al. Cancer Res. 2013 Jan 1;73(1):265-75). Additionally, a homology-directed DNA repair (HDR) assay demonstrated p.T2722R to have low functionality, with a probability of pathogenicity of 0.99 (Guidugli L et al. Am. J. Hum. Genet. 2018 Feb;102(2):233-248). In addition, this variant is located in the highly conserved oligonucleotide binding domain (Karchin R et al Cancer Inform. 2008;6:203-16). This variant has been classified as pathogenic (p>0.9975) by multifactorial analysis, which integrates the following lines of evidence to produce a quantitative likelihood of pathogenicity: in silico prediction models, segregation with disease, tumor characteristics, and mutation co-occurrence (Easton D et al. Am J Hum Genet. 2007;81:873-883; Vallee M et al. Hum Mutat. 2012 Jan;33(1):22-8). Of note, this variant is also designated as 8393C>G in published literature. This nucleotide position is highly conserved in available vertebrate species. In addition, this alteration is predicted to be deleterious by in silico analysis. This variant is considered to be rare based on population cohorts in the Genome Aggregation Database (gnomAD). Based on the supporting evidence, this variant is interpreted as a disease-causing mutation.

Center for Genomic Medicine, Rigshospitalet, Copenhagen University Hospital
Classification: Pathogenic. Last evaluated: 2025-03-04. Review status: criteria provided, single submitter. Criteria: ACMG Guidelines, 2015. Collection method: clinical testing. Allele origin: germline. Not counted in ClinVar's aggregate classification.

Department of Human Genetics, Hannover Medical School
Classification: Pathogenic for Breast-ovarian cancer, familial, susceptibility to, 2. Last evaluated: 2024-08-26. Review status: criteria provided, single submitter. Criteria: ACMG Guidelines, 2015. Collection method: clinical testing. Allele origin: germline. Inheritance: Autosomal dominant inheritance. Affected: no. Not counted in ClinVar's aggregate classification.

Department of Clinical Genetics, Copenhagen University Hospital, Rigshospitalet
Classification: Pathogenic for Breast-ovarian cancer, familial, susceptibility to, 2. Last evaluated: 2024-05-27. Review status: criteria provided, single submitter. Criteria: ACMG Guidelines, 2015. Collection method: clinical testing. Allele origin: germline. Affected: yes. Not counted in ClinVar's aggregate classification.
Comment: PM2_Supporting; PP1; PS3; Expert panel

Institute of Human Genetics, University of Leipzig Medical Center
Classification: Pathogenic for Familial cancer of breast. Last evaluated: 2024-05-06. Review status: criteria provided, single submitter. Criteria: ACMG Guidelines, 2015. Collection method: clinical testing. Allele origin: maternal. Inheritance: Autosomal dominant inheritance. Affected: yes. Not counted in ClinVar's aggregate classification.
Comment: Criteria applied: PVS1,PM5_STR,PM2_SUP, PP4_STR

Clinical Genetics Laboratory, Skane University Hospital Lund
Classification: Pathogenic. Last evaluated: 2024-02-01. Review status: criteria provided, single submitter. Criteria: ACMG Guidelines, 2015. Collection method: clinical testing. Allele origin: germline. Affected: yes. Not counted in ClinVar's aggregate classification.

GeneDx
Classification: Pathogenic. Last evaluated: 2023-11-27. Review status: criteria provided, single submitter. Criteria: GeneDx Variant Classification Process June 2021. Collection method: clinical testing. Allele origin: germline. Affected: yes. Not counted in ClinVar's aggregate classification.
Comment: Multifactorial studies suggest this variant is associated with hereditary breast and ovarian cancer (PMID: 17924331, 21990134); Published functional studies of the p.(T2722R) missense variant demonstrate a damaging effect: impaired homology-directed repair activity, increased centrosome amplification, inability to rescue cell growth, PARP inhibitor sensitivity (PMID: 23108138, 18451181, 18607349, 29988080, 29884841, 32444794); RNA studies demonstrate exon skipping, but studies quantifying the amount of mutant and wild-type transcripts found the full length wild-type transcript to be more abundant (PMID: 12145750, 18607349, 20215541); Observed in families with hereditary breast/ovarian cancer and reported to segregate with disease in at least one kindred (PMID: 12145750, 16683254, 28324225); Not observed at significant frequency in large population cohorts (gnomAD); Also known as 8393C>G; This variant is associated with the following publications: (PMID: 24323938, 29394989, 33754277, 29446198, 19043619, 25146914, 17924331, 12145750, 18451181, 18607349, 20215541, 16683254, 16211554, 28324225, 22962691, 18424508, 17899372, 23893897, 30696104, 29988080, 29884841, 32444794, 28339459, 33964450, 35736817, 31907386, 33609447, 35665744, 37713444, 34906479, 35464868, 27878467, 33978741, 36471068, 37719058, 36061650, 37528630, 23108138, 21990134, 12228710)